The following is an entry in ClinVar:

NM_016648.4(LARP7):c.290C>G (p.Ser97Ter)

Gene: LARP7 (La ribonucleoprotein 7, transcriptional regulator; plus strand). Cytogenetic location: 4q25.
Variant type: single nucleotide variant.
Coding change: c.290C>G on transcript NM_016648.4 (MANE Select); coding-DNA position 290, C replaced by G.
Protein change: p.Ser97Ter; replaces serine 97 with a stop codon.
Molecular consequence: nonsense.
Genome position (GRCh38, 1-based): chr4:112,646,438, C>G. VCF-style: chr4-112646438-C-G. GRCh37 (hg19) VCF-style: chr4-113567594-C-G.
Other names: c.290C>G, p.Ser97Ter (NM_001267039.4, NM_001370974.1, NM_001370975.1 and 6 more transcripts); c.53C>G, p.Ser18Ter (NM_001370981.1, NM_001370982.1); short protein forms S18*, S97*.
Identifiers: ClinVar variation 4879179 (VCV004879179.1).
Genomic context (GRCh38, chr4:112,646,438, plus strand): 5'-TTAACAAAATGAAAAAATTGACTACTGATGGGAAGTTAATTGCCAGAGCATTGAGAAGTT[C>G]AGCTGTTGTAGAGGTAAGAATCAAGAATAACTACTGTTTATATTTATAGTTTATAATTAT-3'

ClinVar aggregate classification (germline): Likely pathogenic (1 of 4 stars; one submission).

Conditions:
Microcephalic primordial dwarfism, Alazami type. Also called: Alazami syndrome; FACIAL DYSMORPHISM, INTELLECTUAL DISABILITY, AND PRIMORDIAL DWARFISM. Identifiers: Orphanet 319671, MedGen C3554439, MONDO:0014031, OMIM 615071.

Submission:

Kasturba Medical College, Manipal, Kasturba Medical College, Manipal, Manipal Academy of Higher Education, Manipal, India
Classification: Likely pathogenic for Microcephalic primordial dwarfism, Alazami type. Last evaluated: 2026-07-02. Review status: criteria provided, single submitter. Criteria: ACMG Guidelines, 2015. Collection method: research. Allele origin: biparental. Inheritance: Autosomal recessive inheritance. Affected: yes. Observed: 1 variant allele, 1 homozygote.
Comment: This variant is absent in homozygous and/or heterozygous state in the population database gnomAD (v.4.1.0) and our in-house database of 4327 exomes.